The following is an entry in ClinVar:

NM_001385012.1(NBEA):c.136A>C (p.Arg46=)

Gene: NBEA (neurobeachin; plus strand). Cytogenetic location: 13q13.3.
Variant type: single nucleotide variant.
Coding change: c.136A>C on transcript NM_001385012.1 (MANE Select); coding-DNA position 136, A replaced by C.
Protein change: p.Arg46=; no amino-acid change (arginine 46 retained).
Molecular consequence: synonymous variant.
Genome position (GRCh38, 1-based): chr13:34,942,956, A>C. VCF-style: chr13-34942956-A-C. GRCh37 (hg19) VCF-style: chr13-35517093-A-C.
Other names: c.136A>C, p.Arg46= (NM_001379245.1, NM_015678.5).
Identifiers: ClinVar variation 2672539 (VCV002672539.23), dbSNP rs2500555971, ClinGen allele CA483425179.

ClinVar aggregate classification (germline): Likely benign (1 of 4 stars; one submission).

Submission:

CeGaT Center for Human Genetics Tuebingen
Classification: Likely benign. Last evaluated: 2025-02-01. Review status: criteria provided, single submitter. Criteria: CeGaT Center For Human Genetics Tuebingen Variant Classification Criteria Version 2. Collection method: clinical testing. Allele origin: germline. Affected: yes. Observed: 2 variant alleles.
Comment: NBEA: PM2:Supporting, BP4, BP7